The following is an entry in ClinVar:

ClinVar aggregate classification (germline): Uncertain significance. Review status: reviewed by expert panel (3 of 4 stars). 2 submissions from 2 submitters: Uncertain significance (1). 1 of the submissions does not count toward it. Last evaluated 2024-10-29.

Conditions:
Hereditary thrombocytopenia and hematologic cancer predisposition syndrome. Identifiers: Orphanet 71290, MedGen CN281654, MONDO:0011071.
Hereditary thrombocytopenia and hematological cancer predisposition syndrome associated with RUNX1. Also called: PLATELET DISORDER, ASPIRIN-LIKE; RUNX1 Familial Platelet Disorder with Associated Myeloid Malignancies; Familial Platelet Disorder with Propensity to Acute Myelogenous Leukemia; Familial thrombocytopenia with propensity to acute myelogenous leukemia. Identifiers: Orphanet 71290, MedGen C1832388, MeSH C563324, MONDO:0100083, OMIM 601399.

Allele frequency attached by ClinVar (database versions not stated): gnomAD 0.00013; TOPMed 0.00029.
gnomAD v4.1: 86 of 233,206 alleles (0.037%); highest among the groups gnomAD compares: Non-Finnish European, 0.0085%; no homozygotes.

Submissions (2):

ClinGen Myeloid Malignancy Variant Curation Expert Panel
Classification: Uncertain significance for Hereditary thrombocytopenia and hematologic cancer predisposition syndrome. Last evaluated: 2024-10-29. Review status: reviewed by expert panel. Criteria: ClinGen MyeloMalig ACMG Specifications v2. Collection method: curation. Allele origin: germline. Inheritance: Autosomal dominant inheritance.
Comment: NM_001754.5(RUNX1):c.*1430C>A is a 3' UTR variant that is not predicted by SpliceAI to impact splicing (BP4). An evolutionary conservation algorithm predicts the site as being non-conserved (PhyloP score = -0.655984 in GRCh38), and the variant allele is the reference nucleotide in one primate and/or three mammal species. The highest population minor allele frequency (MAF) in gnomAD v4.1 is 0.008143 (370/8596 alleles) in the Ashkenazi Jewish population, but the highest continental population MAF is 0.00008468 (10/118,088 alleles) in the non-Finnish European population, which does not exceed the ClinGen Myeloid Malignancy VCEP threshold (>0.00015) for BS1. The variant has not been reported in the literature. In summary, this variant meets the criteria to be classified as a VUS for autosomal dominant hereditary thrombocytopenia and hematologic cancer predisposition syndrome based on the ACMG/AMP criteria applied, as specified by the ClinGen Myeloid Malignancy VCEP: BP4.

Illumina Laboratory Services, Illumina
Classification: Uncertain significance for Hereditary thrombocytopenia and hematological cancer predisposition syndrome associated with RUNX1. Last evaluated: 2018-01-12. Review status: criteria provided, single submitter. Criteria: ICSL Variant Classification Criteria 13 December 2019. Collection method: clinical testing. Allele origin: germline. Not counted in ClinVar's aggregate classification.

NM_001754.5(RUNX1):c.*1430C>A

Gene: RUNX1 (RUNX family transcription factor 1; minus strand). Cytogenetic location: 21q22.12.
Variant type: single nucleotide variant.
Coding change: c.*1430C>A on transcript NM_001754.5 (MANE Select); 1430 bases downstream of the stop codon, C replaced by A.
Molecular consequence: 3 prime UTR variant.
Genome position (GRCh38, 1-based): chr21:34,790,705, G>T on the plus strand (C>A on the coding strand, the complement: RUNX1 is on the minus strand). VCF-style: chr21-34790705-G-T. GRCh37 (hg19) VCF-style: chr21-36163002-G-T.
Other names: c.*1430C>A (NM_001001890.3).
Identifiers: ClinVar variation 339846 (VCV000339846.6), dbSNP rs886057043, ClinGen allele CA10644629.